The following is an entry in ClinVar:

ClinVar aggregate classification (germline): Uncertain significance. Review status: criteria provided, multiple submitters, no conflicts (2 of 4 stars). 2 submissions from 2 submitters: Uncertain significance (2). Last evaluated 2026-01-23.

gnomAD v4.1: 1 of 1,550,466 alleles (0.000064%); highest among the groups gnomAD compares: Non-Finnish European, 0.000087%; no homozygotes.

Submissions (2):

Women's Health and Genetics/Laboratory Corporation of America, LabCorp
Classification: Uncertain significance. Last evaluated: 2026-01-23. Review status: criteria provided, single submitter. Criteria: LabCorp Variant Classification Summary - May 2015. Collection method: clinical testing. Allele origin: germline.

Ambry Genetics
Classification: Uncertain significance. Last evaluated: 2024-11-18. Review status: criteria provided, single submitter. Criteria: Ambry Variant Classification Scheme 2023. Collection method: clinical testing. Allele origin: germline.
Comment: The p.E287D variant (also known as c.861G>T), located in coding exon 4 of the GFI1 gene, results from a G to T substitution at nucleotide position 861. The glutamic acid at codon 287 is replaced by aspartic acid, an amino acid with highly similar properties. This amino acid position is conserved. In addition, this alteration is predicted to be tolerated by in silico analysis. Based on the available evidence, the clinical significance of this variant remains unclear.

NM_005263.5(GFI1):c.861G>T (p.Glu287Asp)

Gene: GFI1 (growth factor independent 1 transcriptional repressor; minus strand). Cytogenetic location: 1p22.1.
Variant type: single nucleotide variant.
Coding change: c.861G>T on transcript NM_005263.5 (MANE Select); coding-DNA position 861, G replaced by T.
Protein change: p.Glu287Asp; replaces glutamic acid 287 with aspartic acid.
Molecular consequence: missense variant.
Genome position (GRCh38, 1-based): chr1:92,480,411, C>A on the plus strand (G>T on the coding strand, the complement: GFI1 is on the minus strand). VCF-style: chr1-92480411-C-A. GRCh37 (hg19) VCF-style: chr1-92945968-C-A.
Other names: c.861G>T, p.Glu287Asp (NM_001127215.3, NM_001127216.3); short protein forms E287D.
Identifiers: ClinVar variation 3519813 (VCV003519813.2).